The following is an entry in ClinVar:

NM_002485.5(NBN):c.16C>T (p.Pro6Ser)

Gene: NBN (nibrin; minus strand). Cytogenetic location: 8q21.3.
Variant type: single nucleotide variant.
Coding change: c.16C>T on transcript NM_002485.5 (MANE Select); coding-DNA position 16, C replaced by T.
Protein change: p.Pro6Ser; replaces proline 6 with serine.
Molecular consequence: missense variant. On other transcripts: 5 prime UTR variant (1).
Genome position (GRCh38, 1-based): chr8:89,984,546, G>A on the plus strand (C>T on the coding strand, the complement: NBN is on the minus strand). VCF-style: chr8-89984546-G-A. GRCh37 (hg19) VCF-style: chr8-90996774-G-A.
Other names: p.P6S:CCC>TCC; c.-281C>T (NM_001024688.3); short protein forms P6S.
Identifiers: ClinVar variation 182731 (VCV000182731.28), dbSNP rs730881859, ClinGen allele CA299642.

ClinVar aggregate classification (germline): Conflicting classifications of pathogenicity. Review status: criteria provided, conflicting classifications (1 of 4 stars). 9 submissions from 9 submitters: Uncertain significance (7); Likely benign (1). 1 of the submissions does not count toward it. Last evaluated 2025-12-05.

Conditions:
Hereditary cancer-predisposing syndrome. Also called: Neoplastic Syndromes, Hereditary; Tumor predisposition; Hereditary neoplastic syndrome; Hereditary Cancer Syndrome. Identifiers: Orphanet 140162, MedGen C0027672, MeSH D009386, MONDO:0015356.
Aplastic anemia. Identifiers: Orphanet 182040, Orphanet 88, MedGen C0002874, MONDO:0015909, OMIM 609135, HP:0001915.
Microcephaly, normal intelligence and immunodeficiency (NBS). Also called: Immunodeficiency, microcephaly with normal intelligence; IMMUNODEFICIENCY, MICROCEPHALY, AND CHROMOSOMAL INSTABILITY; Ataxia telangiectasia variant V1; Nijmegen breakage syndrome; Microcephaly with normal intelligence immunodeficiency and lymphoreticular malignancies; Nonsyndromal microcephaly autosomal recessive with normal intelligence. Identifiers: Orphanet 647, MedGen C0398791, MONDO:0009623, OMIM 251260.

Allele frequency attached by ClinVar (database versions not stated): TOPMed 0.00001.
gnomAD v4.1: 63 of 1,613,102 alleles (0.0039%); highest among the groups gnomAD compares: African/African-American, 0.0053%; no homozygotes.

Submissions (9):

Myriad Genetics, Inc.
Classification: Uncertain significance for Microcephaly, normal intelligence and immunodeficiency. Last evaluated: 2025-12-05. Review status: criteria provided, single submitter. Criteria: Myriad Autosomal Dominant, Autosomal Recessive and X-Linked Classification Criteria (2023). Collection method: clinical testing. Allele origin: unknown.
Comment: NM_002485.4(NBN):c.16C>T(P6S) is a missense variant classified as a variant of uncertain significance in the context of Nijmegen breakage syndrome. P6S has not been observed in cases with relevant disease. Relevant functional assessments of this variant are not available in the literature. P6S has been observed in referenced population frequency databases. In summary, there is insufficient evidence to classify NM_002485.4(NBN):c.16C>T(P6S) as pathogenic or benign. Please note: this variant was assessed in the context of healthy population screening.

GeneDx
Classification: Uncertain significance. Last evaluated: 2025-02-09. Review status: criteria provided, single submitter. Criteria: GeneDx Variant Classification Process June 2021. Collection method: clinical testing. Allele origin: germline. Affected: yes.
Comment: In silico analysis supports that this missense variant has a deleterious effect on protein structure/function; This variant is associated with the following publications: (PMID: 29535844, 24894818, 36346689)

Labcorp Genetics (formerly Invitae), Labcorp
Classification: Uncertain significance for Microcephaly, normal intelligence and immunodeficiency. Last evaluated: 2024-10-07. Review status: criteria provided, single submitter. Criteria: Invitae Variant Classification Sherloc (09022015). Collection method: clinical testing. Allele origin: germline.
Comment: This sequence change replaces proline, which is neutral and non-polar, with serine, which is neutral and polar, at codon 6 of the NBN protein (p.Pro6Ser). This variant is present in population databases (rs730881859, gnomAD 0.01%). This variant has not been reported in the literature in individuals affected with NBN-related conditions. ClinVar contains an entry for this variant (Variation ID: 182731). An algorithm developed to predict the effect of missense changes on protein structure and function outputs the following: PolyPhen-2: "Benign". The serine amino acid residue is found in multiple mammalian species, which suggests that this missense change does not adversely affect protein function. In summary, the available evidence is currently insufficient to determine the role of this variant in disease. Therefore, it has been classified as a Variant of Uncertain Significance.

Ambry Genetics
Classification: Likely benign for Hereditary cancer-predisposing syndrome. Last evaluated: 2024-07-17. Review status: criteria provided, single submitter. Criteria: Ambry Variant Classification Scheme 2023. Collection method: clinical testing. Allele origin: germline.

Women's Health and Genetics/Laboratory Corporation of America, LabCorp
Classification: Uncertain significance. Last evaluated: 2024-07-01. Review status: criteria provided, single submitter. Criteria: LabCorp Variant Classification Summary - May 2015. Collection method: clinical testing. Allele origin: germline.
Comment: Variant summary: NBN c.16C>T (p.Pro6Ser) results in a non-conservative amino acid change in the encoded protein sequence. Three of five in-silico tools predict a benign effect of the variant on protein function. The variant allele was found at a frequency of 2.4e-05 in 245282 control chromosomes (gnomAD). The available data on variant occurrences in the general population are insufficient to allow any conclusion about variant significance. c.16C>T has been reported in the literature in an individual affected with cancer without clinical information (Belhadj_2023). This report does not provide unequivocal conclusions about association of the variant with Nijmegen Breakage Syndrome. To our knowledge, no experimental evidence demonstrating an impact on protein function has been reported. The following publication has been ascertained in the context of this evaluation (PMID: 36346689). ClinVar contains an entry for this variant (Variation ID: 182731). Based on the evidence outlined above, the variant was classified as uncertain significance.

Quest Diagnostics Nichols Institute San Juan Capistrano
Classification: Uncertain significance. Last evaluated: 2024-05-27. Review status: criteria provided, single submitter. Criteria: Quest Diagnostics criteria. Collection method: clinical testing. Allele origin: unknown.
Comment: The NBN c.16C>T (p.Pro6Ser) variant has been reported in the published literature as a somatic variant in a case of intramucosal carcinoma (PMID: 29535844 (2018)). The frequency of this variant in the general population, 0.000027 (3/109680 chromosomes (Genome Aggregation Database)), is uninformative in the assessment of its pathogenicity. Analysis of this variant using bioinformatics tools for the prediction of the effect of amino acid changes on protein structure and function yielded predictions that this variant is benign. Based on the available information, we are unable to determine the clinical significance of this variant.

Baylor Genetics
Classification: Uncertain significance for Aplastic anemia. Last evaluated: 2024-01-12. Review status: criteria provided, single submitter. Criteria: ACMG Guidelines, 2015. Collection method: clinical testing. Allele origin: unknown.

Genome-Nilou Lab
Classification: Uncertain significance for Microcephaly, normal intelligence and immunodeficiency. Last evaluated: 2021-11-07. Review status: criteria provided, single submitter. Criteria: ACMG Guidelines, 2015. Collection method: clinical testing. Allele origin: germline. Affected: no.

Natera, Inc.
Classification: Uncertain significance for Nijmegen breakage syndrome. Last evaluated: 2020-09-16. Review status: no assertion criteria provided. Collection method: clinical testing. Allele origin: germline. Not counted in ClinVar's aggregate classification.

Literature cited by the submitters: PubMed 36346689 (cited by Women's Health and Genetics/Laboratory Corporation of America, LabCorp); PubMed 29535844 (cited by Quest Diagnostics Nichols Institute San Juan Capistrano).